The following is an entry in ClinVar:

ClinVar aggregate classification (germline): Uncertain significance (1 of 4 stars; one submission).

Conditions:
Charcot-Marie-Tooth disease type 2. Also called: Charcot-Marie-Tooth type 2. Identifiers: Orphanet 64746, MedGen C0270914, MONDO:0018993.

Submission:

Labcorp Genetics (formerly Invitae), Labcorp
Classification: Uncertain significance for Charcot-Marie-Tooth disease type 2. Last evaluated: 2023-07-29. Review status: criteria provided, single submitter. Criteria: Invitae Variant Classification Sherloc (09022015). Collection method: clinical testing. Allele origin: germline.
Comment: This sequence change replaces threonine, which is neutral and polar, with serine, which is neutral and polar, at codon 187 of the KIF1B protein (p.Thr187Ser). In summary, the available evidence is currently insufficient to determine the role of this variant in disease. Therefore, it has been classified as a Variant of Uncertain Significance. This variant is not present in population databases (gnomAD no frequency). This variant has not been reported in the literature in individuals affected with KIF1B-related conditions. Advanced modeling of protein sequence and biophysical properties (such as structural, functional, and spatial information, amino acid conservation, physicochemical variation, residue mobility, and thermodynamic stability) performed at Invitae indicates that this missense variant is not expected to disrupt KIF1B protein function.

NM_001365951.3(KIF1B):c.560C>G (p.Thr187Ser)

Gene: KIF1B (kinesin family member 1B; plus strand). Cytogenetic location: 1p36.22.
Variant type: single nucleotide variant.
Coding change: c.560C>G on transcript NM_001365951.3 (MANE Select); coding-DNA position 560, C replaced by G.
Protein change: p.Thr187Ser; replaces threonine 187 with serine.
Molecular consequence: missense variant.
Genome position (GRCh38, 1-based): chr1:10,267,510, C>G. VCF-style: chr1-10267510-C-G. GRCh37 (hg19) VCF-style: chr1-10327568-C-G.
Other names: c.560C>G, p.Thr187Ser (NM_001365952.1, NM_001365953.1, NM_015074.3 and 1 more transcripts); short protein forms T187S.
Identifiers: ClinVar variation 2748000 (VCV002748000.3), dbSNP rs1648532935, ClinGen allele CA338329786.